The following is an entry in ClinVar:

NM_033026.6(PCLO):c.14871C>T (p.Ser4957=)

Genes: PCLO (piccolo presynaptic cytomatrix protein; minus strand), LOC126860089 (MED14-independent group 3 enhancer GRCh37_chr7:82434470-82435669; plus strand). Cytogenetic location: 7q21.11.
Variant type: single nucleotide variant.
Coding change: c.14871C>T on transcript NM_033026.6 (MANE Select); coding-DNA position 14871, C replaced by T.
Protein change: p.Ser4957=; no amino-acid change (serine 4957 retained).
Molecular consequence: synonymous variant.
Genome position (GRCh38, 1-based): chr7:82,805,750, G>A on the plus strand (C>T on the coding strand, the complement: PCLO is on the minus strand). VCF-style: chr7-82805750-G-A. GRCh37 (hg19) VCF-style: chr7-82435066-G-A.
Identifiers: ClinVar variation 783003 (VCV000783003.39), dbSNP rs117776963, ClinGen allele CA4318691.

ClinVar aggregate classification (germline): Benign/Likely benign. Review status: criteria provided, multiple submitters, no conflicts (2 of 4 stars). 5 submissions from 5 submitters: Benign (1); Likely benign (2). 2 of the submissions do not count toward it. Last evaluated 2026-01-28.

Allele frequency attached by ClinVar (database versions not stated): 1000 Genomes Project 0.00100; 1000 Genomes Project 30x 0.00109; gnomAD 0.00231 and 0.00265; ESP Exome Variant Server 0.00241; gnomAD exomes 0.00247 and 0.00413; TOPMed 0.00302; ExAC 0.00303.
gnomAD v4.1: 6,318 of 1,612,210 alleles (0.39%); highest among the groups gnomAD compares: Non-Finnish European, 0.5%; 23 homozygotes.

Submissions (7):

Labcorp Genetics (formerly Invitae), Labcorp
Classification: Benign. Last evaluated: 2026-01-28. Review status: criteria provided, single submitter. Criteria: Invitae Variant Classification Sherloc (09022015). Collection method: clinical testing. Allele origin: germline.

Blueprint Genetics
Classification: Likely benign. Last evaluated: 2024-10-23. Review status: criteria provided, single submitter. Criteria: ACMG Guidelines, 2015. Collection method: clinical testing. Allele origin: germline.

CeGaT Center for Human Genetics Tuebingen
Classification: Likely benign. Last evaluated: 2023-12-01. Review status: criteria provided, single submitter. Criteria: CeGaT Center For Human Genetics Tuebingen Variant Classification Criteria Version 2. Collection method: clinical testing. Allele origin: germline. Affected: yes. Observed: 1 variant allele.
Comment: PCLO: BP4, BP7

Clinical Genetics DNA and cytogenetics Diagnostics Lab, Erasmus MC, Erasmus Medical Center
Classification: Likely benign. Review status: no assertion criteria provided. Collection method: clinical testing. Allele origin: germline. Affected: yes. Study: VKGL Data-share Consensus. Not counted in ClinVar's aggregate classification.

Diagnostic Laboratory, Department of Genetics, University Medical Center Groningen
Classification: Likely benign. Review status: no assertion criteria provided. Collection method: clinical testing. Allele origin: germline. Affected: yes. Study: VKGL Data-share Consensus. Not counted in ClinVar's aggregate classification.

Dr. Peter K. Rogan Lab, Western University
No classification provided (evidence only). Condition: Uterine corpus endometrial carcinoma. Review status: no classification provided. Collection method: in vitro. Allele origin: not applicable. Functional consequence: retained intron. Not counted in ClinVar's aggregate classification.

Dr. Peter K. Rogan Lab, Western University
No classification provided (evidence only). Condition: Cholangiocarcinoma. Review status: no classification provided. Collection method: in vitro. Allele origin: not applicable. Functional consequence: retained intron. Not counted in ClinVar's aggregate classification.